The following is an entry in ClinVar:

NM_006231.4(POLE):c.6344A>G (p.Asp2115Gly)

Gene: POLE (DNA polymerase epsilon, catalytic subunit; minus strand). Cytogenetic location: 12q24.33.
Variant type: single nucleotide variant.
Coding change: c.6344A>G on transcript NM_006231.4 (MANE Select); coding-DNA position 6344, A replaced by G.
Protein change: p.Asp2115Gly; replaces aspartic acid 2115 with glycine.
Molecular consequence: missense variant.
Genome position (GRCh38, 1-based): chr12:132,626,304, T>C on the plus strand (A>G on the coding strand, the complement: POLE is on the minus strand). VCF-style: chr12-132626304-T-C. GRCh37 (hg19) VCF-style: chr12-133202890-T-C.
Other names: c.6344A>G (NM_006231.2); short protein forms D2115G.
Identifiers: ClinVar variation 473796 (VCV000473796.9), dbSNP rs1555301272, ClinGen allele CA387367884.

ClinVar aggregate classification (germline): Uncertain significance. Review status: criteria provided, multiple submitters, no conflicts (2 of 4 stars). 2 submissions from 2 submitters: Uncertain significance (2). Last evaluated 2025-07-31.

Conditions:
Hereditary cancer-predisposing syndrome. Also called: Neoplastic Syndromes, Hereditary; Tumor predisposition; Hereditary Cancer Syndrome; Hereditary neoplastic syndrome. Identifiers: Orphanet 140162, MedGen C0027672, MeSH D009386, MONDO:0015356.

Allele frequency attached by ClinVar (database versions not stated): gnomAD exomes below 0.00001.

Submissions (2):

Labcorp Genetics (formerly Invitae), Labcorp
Classification: Uncertain significance. Last evaluated: 2025-07-31. Review status: criteria provided, single submitter. Criteria: Invitae Variant Classification Sherloc (09022015). Collection method: clinical testing. Allele origin: germline.
Comment: This sequence change replaces aspartic acid, which is acidic and polar, with glycine, which is neutral and non-polar, at codon 2115 of the POLE protein (p.Asp2115Gly). This variant is not present in population databases (gnomAD no frequency). This missense change has been observed in individual(s) with personal or family history of breast or ovarian cancer (PMID: 36427680). ClinVar contains an entry for this variant (Variation ID: 473796). Invitae Evidence Modeling of protein sequence and biophysical properties (such as structural, functional, and spatial information, amino acid conservation, physicochemical variation, residue mobility, and thermodynamic stability) has been performed for this missense variant. However, the output from this modeling did not meet the statistical confidence thresholds required to predict the impact of this variant on POLE protein function. In summary, the available evidence is currently insufficient to determine the role of this variant in disease. Therefore, it has been classified as a Variant of Uncertain Significance.

Ambry Genetics
Classification: Uncertain significance for Hereditary cancer-predisposing syndrome. Last evaluated: 2025-01-14. Review status: criteria provided, single submitter. Criteria: Ambry Variant Classification Scheme 2023. Collection method: clinical testing. Allele origin: germline.
Comment: The p.D2115G variant (also known as c.6344A>G), located in coding exon 46 of the POLE gene, results from an A to G substitution at nucleotide position 6344. The aspartic acid at codon 2115 is replaced by glycine, an amino acid with similar properties. This amino acid position is highly conserved in available vertebrate species. In addition, this alteration is predicted to be deleterious by in silico analysis. Based on the available evidence, the clinical significance of this variant remains unclear.

Literature cited by the submitters: PubMed 36427680 (cited by Labcorp Genetics (formerly Invitae), Labcorp).